The following is an entry in ClinVar:

ClinVar aggregate classification (germline): Uncertain significance. Review status: criteria provided, multiple submitters, no conflicts (2 of 4 stars). 3 submissions from 3 submitters: Uncertain significance (2). 1 of the submissions does not count toward it. Last evaluated 2025-10-07.

Conditions:
SCLT1-related disorder. Also called: SCLT1-related condition.

Allele frequency attached by ClinVar (database versions not stated): TOPMed 0.00007; ExAC 0.00008; gnomAD 0.00003; gnomAD exomes 0.00004.
gnomAD v4.1: 22 of 1,613,166 alleles (0.0014%); highest among the groups gnomAD compares: Admixed American, 0.023%; no homozygotes.

Submissions (3):

Ambry Genetics
Classification: Uncertain significance. Last evaluated: 2025-10-07. Review status: criteria provided, single submitter. Criteria: Ambry Variant Classification Scheme 2023. Collection method: clinical testing. Allele origin: germline.

Labcorp Genetics (formerly Invitae), Labcorp
Classification: Uncertain significance. Last evaluated: 2024-07-08. Review status: criteria provided, single submitter. Criteria: Invitae Variant Classification Sherloc (09022015). Collection method: clinical testing. Allele origin: germline.
Comment: This sequence change replaces alanine, which is neutral and non-polar, with aspartic acid, which is acidic and polar, at codon 333 of the SCLT1 protein (p.Ala333Asp). This variant is present in population databases (rs774049589, gnomAD 0.02%). This variant has not been reported in the literature in individuals affected with SCLT1-related conditions. ClinVar contains an entry for this variant (Variation ID: 1461272). An algorithm developed to predict the effect of missense changes on protein structure and function (PolyPhen-2) suggests that this variant is likely to be disruptive. In summary, the available evidence is currently insufficient to determine the role of this variant in disease. Therefore, it has been classified as a Variant of Uncertain Significance.

PreventionGenetics, part of Exact Sciences
Classification: Uncertain significance for SCLT1-related condition. Last evaluated: 2024-08-30. Review status: no assertion criteria provided. Collection method: clinical testing. Allele origin: germline. Not counted in ClinVar's aggregate classification.
Comment: The SCLT1 c.998C>A variant is predicted to result in the amino acid substitution p.Ala333Asp. To our knowledge, this variant has not been reported in the literature. This variant is reported in 0.020% of alleles in individuals of Latino descent in gnomAD. At this time, the clinical significance of this variant is uncertain due to the absence of conclusive functional and genetic evidence.

NM_144643.4(SCLT1):c.998C>A (p.Ala333Asp)

Gene: SCLT1 (sodium channel and clathrin linker 1; minus strand). Cytogenetic location: 4q28.2.
Variant type: single nucleotide variant.
Coding change: c.998C>A on transcript NM_144643.4 (MANE Select); coding-DNA position 998, C replaced by A.
Protein change: p.Ala333Asp; replaces alanine 333 with aspartic acid.
Molecular consequence: missense variant.
Genome position (GRCh38, 1-based): chr4:128,959,649, G>T on the plus strand (C>A on the coding strand, the complement: SCLT1 is on the minus strand). VCF-style: chr4-128959649-G-T. GRCh37 (hg19) VCF-style: chr4-129880804-G-T.
Other names: c.998C>A (NM_144643.2, NM_144643.3); short protein forms A333D.
Identifiers: ClinVar variation 1461272 (VCV001461272.8), dbSNP rs774049589, ClinGen allele CA3079769.